The following is an entry in ClinVar:

NM_022124.6(CDH23):c.6655G>A (p.Asp2219Asn)

Gene: CDH23 (cadherin related 23; plus strand). Cytogenetic location: 10q22.1.
Variant type: single nucleotide variant.
Coding change: c.6655G>A on transcript NM_022124.6 (MANE Select); coding-DNA position 6655, G replaced by A.
Protein change: p.Asp2219Asn; replaces aspartic acid 2219 with asparagine.
Molecular consequence: missense variant.
Genome position (GRCh38, 1-based): chr10:71,793,583, G>A. VCF-style: chr10-71793583-G-A. GRCh37 (hg19) VCF-style: chr10-73553340-G-A.
Other names: short protein forms D2219N.
Identifiers: ClinVar variation 162932 (VCV000162932.8), dbSNP rs555684781, ClinGen allele CA175504.
Genomic context (GRCh38, chr10:71,793,583, plus strand): 5'-ATTGACCACGACCTCAACCCAAAGCTAGAGTACCACATTGTCGGCATTGTGGCCAAGGAC[G>A]ACACTGATCGCCTGGTGCCCAACCAGGAGGACGCCTTTGCTGTGAATATCAACACAGGTA-3'
Protein context (NP_071407.4, residues 2209-2229): YHIVGIVAKD[Asp2219Asn]TDRLVPNQED

ClinVar aggregate classification (germline): Uncertain significance. Review status: criteria provided, multiple submitters, no conflicts (2 of 4 stars). 5 submissions from 5 submitters: Uncertain significance (4). 1 of the submissions does not count toward it. Last evaluated 2025-09-23.

Conditions:
CDH23-related disorder. Also called: CDH23-related condition; CDH23-related disorders.
Usher syndrome type 1 (USH1). Also called: RETINITIS PIGMENTOSA AND CONGENITAL DEAFNESS. Identifiers: Orphanet 231169, Orphanet 886, MedGen C1568247, MONDO:0010168, OMIM 276900.

Allele frequency attached by ClinVar (database versions not stated): gnomAD 0.00003 and 0.00004; gnomAD exomes 0.00003; TOPMed 0.00004; ExAC 0.00005; 1000 Genomes Project 30x 0.00016; 1000 Genomes Project 0.00020.
gnomAD v4.1: 63 of 1,610,378 alleles (0.0039%); highest among the groups gnomAD compares: African/African-American, 0.008%; no homozygotes.

Submissions (5):

PreventionGenetics, part of Exact Sciences
Classification: Uncertain significance for CDH23-related condition. Last evaluated: 2025-09-23. Review status: criteria provided, single submitter. Criteria: ACMG Guidelines, 2015. Collection method: clinical testing. Allele origin: germline.
Comment: The CDH23 c.6655G>A variant is predicted to result in the amino acid substitution p.Asp2219Asn. This variant was reported in multiple individuals with hearing loss, although information on a second potentially causative variant was not provided in all cases (Table S4, Moteki et al. 2015. PubMed ID: 26346818; Sakuma et al. 2016. PubMed ID: 26763877; Table S2, Usami et al. 2021. PubMed ID: 34599366). This variant is reported in 0.0098% of alleles in individuals of South Asian descent in gnomAD. At this time, the clinical significance of this variant is uncertain due to the absence of conclusive functional and genetic evidence.

Blueprint Genetics
Classification: Uncertain significance. Last evaluated: 2024-11-06. Review status: criteria provided, single submitter. Criteria: ACMG Guidelines, 2015. Collection method: clinical testing. Allele origin: germline.

GeneDx
Classification: Uncertain significance. Last evaluated: 2023-07-04. Review status: criteria provided, single submitter. Criteria: GeneDx Variant Classification Process June 2021. Collection method: clinical testing. Allele origin: germline. Affected: yes.
Comment: In silico analysis supports that this missense variant does not alter protein structure/function; Reported with a second variant (phase unknown) in unrelated patients with hearing loss in published literature (Moteki et al., 2016; Sakuma et al., 2016); This variant is associated with the following publications: (PMID: 30033219, 26346818, 26763877, 35020051)

Laboratory for Molecular Medicine, Mass General Brigham Personalized Medicine
Classification: Uncertain significance. Last evaluated: 2016-01-06. Review status: criteria provided, single submitter. Criteria: LMM Criteria. Collection method: clinical testing. Allele origin: germline. Observed: 2 variant alleles.
Comment: This variant has been identified in 6 /116134 of the total chromosomes in the Exome Aggregation Consortium (ExAC; dbSNP rs555684781); however, this frequency is not h igh enough to rule out a pathogenic role. Computational prediction tools and con servation analyses suggest that the p.Asp2219Asn variant may impact the protein, though this information is not predictive enough to determine pathogenicity. In summary, the clinical significance of thep.Asp2219Asn variant is uncertain.

Natera, Inc.
Classification: Uncertain significance for Usher syndrome type 1. Last evaluated: 2020-08-11. Review status: no assertion criteria provided. Collection method: clinical testing. Allele origin: germline. Not counted in ClinVar's aggregate classification.